The following is an entry in ClinVar:

ClinVar aggregate classification (germline): Uncertain significance (1 of 4 stars; one submission).

Submission:

Labcorp Genetics (formerly Invitae), Labcorp
Classification: Uncertain significance. Last evaluated: 2025-10-12. Review status: criteria provided, single submitter. Criteria: Invitae Variant Classification Sherloc (09022015). Collection method: clinical testing. Allele origin: germline.
Comment: This sequence change replaces leucine, which is neutral and non-polar, with valine, which is neutral and non-polar, at codon 1121 of the CACNA2D4 protein (p.Leu1121Val). This variant is not present in population databases (gnomAD no frequency). This variant has not been reported in the literature in individuals affected with CACNA2D4-related conditions. An algorithm developed to predict the effect of missense changes on protein structure and function (PolyPhen-2) suggests that this variant is likely to be tolerated. In summary, the available evidence is currently insufficient to determine the role of this variant in disease. Therefore, it has been classified as a Variant of Uncertain Significance.

NM_172364.5(CACNA2D4):c.3361C>G (p.Leu1121Val)

Gene: CACNA2D4 (calcium voltage-gated channel auxiliary subunit alpha2delta 4; minus strand). Cytogenetic location: 12p13.33.
Variant type: single nucleotide variant.
Coding change: c.3361C>G on transcript NM_172364.5 (MANE Select); coding-DNA position 3361, C replaced by G.
Protein change: p.Leu1121Val; replaces leucine 1121 with valine.
Molecular consequence: missense variant.
Genome position (GRCh38, 1-based): chr12:1,793,708, G>C on the plus strand (C>G on the coding strand, the complement: CACNA2D4 is on the minus strand). VCF-style: chr12-1793708-G-C. GRCh37 (hg19) VCF-style: chr12-1902874-G-C.
Other names: short protein forms L1121V.
Identifiers: ClinVar variation 4729042 (VCV004729042.1).